The following is an entry in ClinVar:

NM_018979.4(WNK1):c.3248A>G (p.Asn1083Ser)

Gene: WNK1 (WNK lysine deficient protein kinase 1; plus strand). Cytogenetic location: 12p13.33.
Variant type: single nucleotide variant.
Coding change: c.3248A>G on transcript NM_018979.4 (MANE Select); coding-DNA position 3248, A replaced by G.
Protein change: p.Asn1083Ser; replaces asparagine 1083 with serine.
Molecular consequence: missense variant.
Genome position (GRCh38, 1-based): chr12:881,949, A>G. VCF-style: chr12-881949-A-G. GRCh37 (hg19) VCF-style: chr12-991115-A-G.
Other names: p.N1083S; c.4028A>G, p.Asn1343Ser (NM_001184985.2); c.2507A>G, p.Asn836Ser (NM_014823.3); c.4004A>G, p.Asn1335Ser (NM_213655.5); c.3248A>G (NM_018979.3); short protein forms N1083S, N836S, N1335S, N1343S.
Identifiers: ClinVar variation 1462838 (VCV001462838.9), dbSNP rs757299559, ClinGen allele CA6382723.

ClinVar aggregate classification (germline): Uncertain significance. Review status: criteria provided, multiple submitters, no conflicts (2 of 4 stars). 2 submissions from 2 submitters: Uncertain significance (2). Last evaluated 2025-01-13.

Conditions:
Neuropathy, hereditary sensory and autonomic, type 2A (HSAN2A). Also called: ACROOSTEOLYSIS, GIACCAI TYPE; ACROOSTEOLYSIS, NEUROGENIC; MORVAN DISEASE; NEUROPATHY, CONGENITAL SENSORY; NEUROPATHY, HEREDITARY SENSORY RADICULAR, AUTOSOMAL RECESSIVE; NEUROPATHY, HEREDITARY SENSORY, TYPE IIA. Identifiers: Orphanet 970, MedGen C2752089, MONDO:0024309, OMIM 201300.
Pseudohypoaldosteronism type 2C (PHA2C). Also called: Pseudohypoaldosteronism Type IIC. Identifiers: Orphanet 757, Orphanet 88940, MedGen C1840391, MONDO:0013778, OMIM 614492.

Allele frequency attached by ClinVar (database versions not stated): ExAC 0.00004; gnomAD exomes 0.00005 and 0.00001.
gnomAD v4.1: 13 of 1,614,236 alleles (0.00081%); highest among the groups gnomAD compares: Admixed American, 0.015%; no homozygotes.

Submissions (2):

Labcorp Genetics (formerly Invitae), Labcorp
Classification: Uncertain significance for Neuropathy, hereditary sensory and autonomic, type 2A; Pseudohypoaldosteronism type 2C. Last evaluated: 2025-01-13. Review status: criteria provided, single submitter. Criteria: Invitae Variant Classification Sherloc (09022015). Collection method: clinical testing. Allele origin: germline.
Comment: This sequence change replaces asparagine, which is neutral and polar, with serine, which is neutral and polar, at codon 1335 of the WNK1 protein (p.Asn1335Ser). This variant is present in population databases (rs757299559, gnomAD 0.03%). This variant has not been reported in the literature in individuals affected with WNK1-related conditions. ClinVar contains an entry for this variant (Variation ID: 1462838). Invitae Evidence Modeling of protein sequence and biophysical properties (such as structural, functional, and spatial information, amino acid conservation, physicochemical variation, residue mobility, and thermodynamic stability) indicates that this missense variant is not expected to disrupt WNK1 protein function with a negative predictive value of 95%. In summary, the available evidence is currently insufficient to determine the role of this variant in disease. Therefore, it has been classified as a Variant of Uncertain Significance.

Mayo Clinic Laboratories, Mayo Clinic
Classification: Uncertain significance. Last evaluated: 2018-07-01. Review status: criteria provided, single submitter. Criteria: ACMG Guidelines, 2015. Collection method: clinical testing. Allele origin: germline.